The following is an entry in ClinVar:

NM_001378457.1(DMXL2):c.7360G>A (p.Glu2454Lys)

Gene: DMXL2 (Dmx like 2; minus strand). Cytogenetic location: 15q21.2.
Variant type: single nucleotide variant.
Coding change: c.7360G>A on transcript NM_001378457.1 (MANE Select); coding-DNA position 7360, G replaced by A.
Protein change: p.Glu2454Lys; replaces glutamic acid 2454 with lysine.
Molecular consequence: missense variant. On other transcripts: non-coding transcript variant (2).
Genome position (GRCh38, 1-based): chr15:51,471,255, C>T on the plus strand (G>A on the coding strand, the complement: DMXL2 is on the minus strand). VCF-style: chr15-51471255-C-T. GRCh37 (hg19) VCF-style: chr15-51763452-C-T.
Other names: c.7360G>A, p.Glu2454Lys (NM_001174116.3, NM_001378459.1, NM_001378461.1 and 1 more transcripts); c.5449G>A, p.Glu1817Lys (NM_001174117.3); c.7357G>A, p.Glu2453Lys (NM_001378458.1, NM_001378462.1, NM_015263.5); c.5338G>A, p.Glu1780Lys (NM_001378460.1); c.7117G>A, p.Glu2373Lys (NM_001378464.1); c.7360G>A (NM_001174116.1); short protein forms E2454K, E1780K, E1817K, E2373K, E2453K.
Identifiers: ClinVar variation 1442943 (VCV001442943.39), dbSNP rs145710046, ClinGen allele CA7561351.
Genomic context (GRCh38, chr15:51,471,255, plus strand): 5'-TAAAGCTTGCATTCCTCACACTCCTTACCTTTGCAACAAAATAATCCCACATACTAAGTT[C>T]GGGAGGAATAAATTTTTCTTTGTAAGATGGTCTTTCTGCAGGCACCGGTGGTGGGGTAGC-3'
Protein context (NP_001365386.1, residues 2444-2464): PSYKEKFIPP[Glu2454Lys]LSMWDYFVAK

ClinVar aggregate classification (germline): Uncertain significance. Review status: criteria provided, multiple submitters, no conflicts (2 of 4 stars). 5 submissions from 5 submitters: Uncertain significance (5). Last evaluated 2026-01-12.

Conditions:
DMXL2-related disorder. Also called: DMXL2-related condition.
Inborn genetic diseases. Identifiers: MedGen C0950123, MeSH D030342.

Allele frequency attached by ClinVar (database versions not stated): gnomAD exomes 0.00012 and 0.00017; ExAC 0.00014; ESP Exome Variant Server 0.00015; TOPMed 0.00015; gnomAD 0.00017 and 0.00020.
gnomAD v4.1: 265 of 1,613,788 alleles (0.016%); highest among the groups gnomAD compares: Non-Finnish European, 0.022%; no homozygotes.

Submissions (5):

Labcorp Genetics (formerly Invitae), Labcorp
Classification: Uncertain significance. Last evaluated: 2026-01-12. Review status: criteria provided, single submitter. Criteria: Invitae Variant Classification Sherloc (09022015). Collection method: clinical testing. Allele origin: germline.
Comment: This sequence change replaces glutamic acid, which is acidic and polar, with lysine, which is basic and polar, at codon 2454 of the DMXL2 protein (p.Glu2454Lys). This variant is present in population databases (rs145710046, gnomAD 0.03%). This variant has not been reported in the literature in individuals affected with DMXL2-related conditions. ClinVar contains an entry for this variant (Variation ID: 1442943). An algorithm developed to predict the effect of missense changes on protein structure and function (PolyPhen-2) suggests that this variant is likely to be disruptive. In summary, the available evidence is currently insufficient to determine the role of this variant in disease. Therefore, it has been classified as a Variant of Uncertain Significance.

PreventionGenetics, part of Exact Sciences
Classification: Uncertain significance for DMXL2-related condition. Last evaluated: 2026-01-06. Review status: criteria provided, single submitter. Criteria: ACMG Guidelines, 2015. Collection method: clinical testing. Allele origin: germline.
Comment: The DMXL2 c.7360G>A variant is predicted to result in the amino acid substitution p.Glu2454Lys. To our knowledge, this variant has not been reported in the literature. This variant is reported in 0.028% of alleles in individuals of European (Non-Finnish) descent in gnomAD. At this time, the clinical significance of this variant is uncertain due to the absence of conclusive functional and genetic evidence.

Blueprint Genetics
Classification: Uncertain significance. Last evaluated: 2024-10-17. Review status: criteria provided, single submitter. Criteria: ACMG Guidelines, 2015. Collection method: clinical testing. Allele origin: germline.

Ambry Genetics
Classification: Uncertain significance for Inborn genetic diseases. Last evaluated: 2023-12-20. Review status: criteria provided, single submitter. Criteria: Ambry Variant Classification Scheme 2023. Collection method: clinical testing. Allele origin: germline.

CeGaT Center for Human Genetics Tuebingen
Classification: Uncertain significance. Last evaluated: 2023-10-01. Review status: criteria provided, single submitter. Criteria: CeGaT Center For Human Genetics Tuebingen Variant Classification Criteria Version 2. Collection method: clinical testing. Allele origin: germline. Affected: yes. Observed: 2 variant alleles.